The following is an entry in ClinVar:

ClinVar aggregate classification (germline): Uncertain significance (1 of 4 stars; one submission).

Conditions:
Hereditary cancer-predisposing syndrome. Also called: Neoplastic Syndromes, Hereditary; Hereditary Cancer Syndrome; Hereditary neoplastic syndrome; Tumor predisposition. Identifiers: Orphanet 140162, MedGen C0027672, MeSH D009386, MONDO:0015356.

Submission:

Labcorp Genetics (formerly Invitae), Labcorp
Classification: Uncertain significance for Hereditary cancer-predisposing syndrome. Last evaluated: 2024-05-22. Review status: criteria provided, single submitter. Criteria: Invitae Variant Classification Sherloc (09022015). Collection method: clinical testing. Allele origin: germline.
Comment: This variant, c.706_711del, results in the deletion of 2 amino acid(s) of the RAD50 protein (p.Ser236_Ser237del), but otherwise preserves the integrity of the reading frame. This variant is not present in population databases (gnomAD no frequency). This variant has not been reported in the literature in individuals affected with RAD50-related conditions. ClinVar contains an entry for this variant (Variation ID: 2045175). In summary, the available evidence is currently insufficient to determine the role of this variant in disease. Therefore, it has been classified as a Variant of Uncertain Significance.

NM_005732.4(RAD50):c.706_711del (p.Ser236_Ser237del)

Gene: RAD50 (RAD50 double strand break repair protein; plus strand). Cytogenetic location: 5q31.1.
Variant type: Deletion.
Coding change: c.706_711del on transcript NM_005732.4 (MANE Select); coding-DNA positions 706 to 711, 6 bases deleted (TCTTCA; older notation c.706_711delTCTTCA).
Protein change: p.Ser236_Ser237del.
Molecular consequence: inframe deletion.
Genome position (GRCh38, 1-based): chr5:132,580,016-132,580,021, TCTTCA deleted; deleting any 6 consecutive bases within chr5:132,580,014-132,580,021 gives the same sequence; the c. name uses the placement nearest the transcript's 3' end. VCF-style (leftmost placement, unchanged base first): chr5-132580013-ACATCTT-A. GRCh37 (hg19) VCF-style: chr5-131915705-ACATCTT-A.
Identifiers: ClinVar variation 2045175 (VCV002045175.4), dbSNP rs2479617682, ClinGen allele CA2580072704.